The following is an entry in ClinVar:

NM_080680.3(COL11A2):c.3150+5G>A

Gene: COL11A2 (collagen type XI alpha 2 chain; minus strand). Cytogenetic location: 6p21.32.
Variant type: single nucleotide variant.
Coding change: c.3150+5G>A on transcript NM_080680.3 (MANE Select); 5 bases into the intron after coding-DNA position 3150, G replaced by A.
Molecular consequence: intron variant.
Genome position (GRCh38, 1-based): chr6:33,171,708, C>T on the plus strand (G>A on the coding strand, the complement: COL11A2 is on the minus strand). VCF-style: chr6-33171708-C-T. GRCh37 (hg19) VCF-style: chr6-33139485-C-T.
Other names: c.2124+5G>A (NM_001424111.1, NM_001424110.1); c.2829+5G>A (NM_080679.3); c.2892+5G>A (NM_080681.3); c.2970+5G>A (NM_001424108.1); c.2304+5G>A (NM_001424109.1); c.1104+5G>A (NM_001424112.1).
Identifiers: ClinVar variation 2857365 (VCV002857365.3), dbSNP rs2534839862, ClinGen allele CA2739272970.
Genomic context (GRCh38, chr6:33,171,708, plus strand): 5'-TAGCCCATCAACCCTAGGCTCACAGACCCCTCCCCAGTACCCCTCCCCAATACCCCCACA[C>T]TCACTGGGACACCTTTCTCTCCTGCTGCTCCAGGGGGACCCTGCGGGCCTGGGCGCCCTG-3'

ClinVar aggregate classification (germline): Pathogenic (1 of 4 stars; one submission).

Submission:

Labcorp Genetics (formerly Invitae), Labcorp
Classification: Pathogenic. Last evaluated: 2025-05-27. Review status: criteria provided, single submitter. Criteria: Invitae Variant Classification Sherloc (09022015). Collection method: clinical testing. Allele origin: germline.
Comment: This sequence change falls in intron 42 of the COL11A2 gene. It does not directly change the encoded amino acid sequence of the COL11A2 protein. It affects a nucleotide within the consensus splice site. This variant is not present in population databases (gnomAD no frequency). This variant has been observed in individual(s) with autosomal dominant deafness (internal data). In at least one individual the variant was observed to be de novo. ClinVar contains an entry for this variant (Variation ID: 2857365). Variants that disrupt the consensus splice site are a relatively common cause of aberrant splicing (PMID: 17576681, 9536098). Algorithms developed to predict the effect of sequence changes on RNA splicing suggest that this variant may disrupt the consensus splice site. For these reasons, this variant has been classified as Pathogenic.

Literature cited by the submitters: PubMed 17576681; PubMed 9536098.